The following is an entry in ClinVar:

ClinVar aggregate classification (germline): Likely pathogenic (1 of 4 stars; one submission).

Submission:

Quest Diagnostics Nichols Institute San Juan Capistrano
Classification: Likely pathogenic. Last evaluated: 2022-04-08. Review status: criteria provided, single submitter. Criteria: Quest Diagnostics criteria. Collection method: clinical testing. Allele origin: unknown.
Comment: This in-frame deletion variant has not been described in online databases, and to the best of our knowledge, has not been reported in the published literature. It also has not been reported in large, multi-ethnic general populations. A similar but smaller deletion within this region, NF1 c.1510_1524del (p.Pro504_Leu508del), has been observed by an outside laboratory in an individual with clinical features of NF1-Noonan syndrome (see ClinVar), suggesting this region may be clinically important. Therefore, the variant is classified as likely pathogenic.

NM_001042492.3(NF1):c.1505_1527+1del

Gene: NF1 (neurofibromin 1; plus strand). Cytogenetic location: 17q11.2.
Variant type: Deletion.
Coding change: c.1505_1527+1del on transcript NM_001042492.3 (MANE Select); coding-DNA position 1505 through the canonical splice donor site of the intron after coding-DNA position 1527, 24 bases deleted (CAGATCCAAAGCTCTTGCTTTGTG).
Molecular consequence: splice donor variant.
Genome position (GRCh38, 1-based): chr17:31,214,563-31,214,586, CAGATCCAAAGCTCTTGCTTTGTG deleted; deleting any 24 consecutive bases within chr17:31,214,561-31,214,586 gives the same sequence; the c. name uses the placement nearest the transcript's 3' end. VCF-style (leftmost placement, unchanged base first): chr17-31214560-ATGCAGATCCAAAGCTCTTGCTTTG-A. GRCh37 (hg19) VCF-style: chr17-29541578-ATGCAGATCCAAAGCTCTTGCTTTG-A.
Other names: c.1504_1527del (NM_000267.3); c.1505_1527+1del (NM_000267.4, NM_001128147.3).
Identifiers: ClinVar variation 1809590 (VCV001809590.1), dbSNP rs2544829809, ClinGen allele CA2580092830.
Genomic context (GRCh38, chr17:31,214,560, plus strand): 5'-CTACAGACCTGGAGACAAGAAGCTATAAGTATCTTCTCTTGTCCATGGTGAAACTAATTC[ATGCAGATCCAAAGCTCTTGCTTTG>A]TGTAAGTATTTTTTTATGAAATGTCTCAAAATTATCACACTAAGTTAATTGGGTTTAGCT-3'